The following is an entry in ClinVar:

NM_080605.4(B3GALT6):c.856A>G (p.Met286Val)

Gene: B3GALT6 (beta-1,3-galactosyltransferase 6; plus strand). Cytogenetic location: 1p36.33.
Variant type: single nucleotide variant.
Coding change: c.856A>G on transcript NM_080605.4 (MANE Select); coding-DNA position 856, A replaced by G.
Protein change: p.Met286Val; replaces methionine 286 with valine.
Molecular consequence: missense variant.
Genome position (GRCh38, 1-based): chr1:1,233,134, A>G. VCF-style: chr1-1233134-A-G. GRCh37 (hg19) VCF-style: chr1-1168514-A-G.
Other names: short protein forms M286V.
Identifiers: ClinVar variation 1475774 (VCV001475774.8), dbSNP rs2100994726, ClinGen allele CA337830023.

ClinVar aggregate classification (germline): Uncertain significance (1 of 4 stars; one submission).

Conditions:
Ehlers-Danlos syndrome, spondylodysplastic type, 2 (EDSSPD2). Also called: Ehlers-Danlos syndrome, progeroid type, 2. Identifiers: Orphanet 536467, Orphanet 75496, MedGen C3809210, MONDO:0014139, OMIM 615349.
Spondyloepimetaphyseal dysplasia with joint laxity (SEMDJL). Identifiers: MedGen C0432243, MONDO:0019675.

Submission:

Labcorp Genetics (formerly Invitae), Labcorp
Classification: Uncertain significance for Ehlers-Danlos syndrome, spondylodysplastic type, 2; Spondyloepimetaphyseal dysplasia with joint laxity. Last evaluated: 2024-12-16. Review status: criteria provided, single submitter. Criteria: Invitae Variant Classification Sherloc (09022015). Collection method: clinical testing. Allele origin: germline.
Comment: This sequence change replaces methionine, which is neutral and non-polar, with valine, which is neutral and non-polar, at codon 286 of the B3GALT6 protein (p.Met286Val). This variant is not present in population databases (gnomAD no frequency). This variant has not been reported in the literature in individuals affected with B3GALT6-related conditions. ClinVar contains an entry for this variant (Variation ID: 1475774). Invitae Evidence Modeling of protein sequence and biophysical properties (such as structural, functional, and spatial information, amino acid conservation, physicochemical variation, residue mobility, and thermodynamic stability) has been performed for this missense variant. However, the output from this modeling did not meet the statistical confidence thresholds required to predict the impact of this variant on B3GALT6 protein function. In summary, the available evidence is currently insufficient to determine the role of this variant in disease. Therefore, it has been classified as a Variant of Uncertain Significance.